The following is an entry in ClinVar:

NM_198578.4(LRRK2):c.4748T>C (p.Leu1583Pro)

Gene: LRRK2 (leucine rich repeat kinase 2; plus strand). Cytogenetic location: 12q12.
Variant type: single nucleotide variant.
Coding change: c.4748T>C on transcript NM_198578.4 (MANE Select); coding-DNA position 4748, T replaced by C.
Protein change: p.Leu1583Pro; replaces leucine 1583 with proline.
Molecular consequence: missense variant.
Genome position (GRCh38, 1-based): chr12:40,315,221, T>C. VCF-style: chr12-40315221-T-C. GRCh37 (hg19) VCF-style: chr12-40709023-T-C.
Other names: short protein forms L1583P.
Identifiers: ClinVar variation 3229669 (VCV003229669.1), dbSNP rs2499852690, ClinGen allele CA384419195.

ClinVar aggregate classification (germline): Uncertain significance (1 of 4 stars; one submission).

Conditions:
Inborn genetic diseases. Identifiers: MedGen C0950123, MeSH D030342.

Allele frequency attached by ClinVar (database versions not stated): gnomAD exomes below 0.00001.

Submission:

Ambry Genetics
Classification: Uncertain significance for Inborn genetic diseases. Last evaluated: 2024-01-07. Review status: criteria provided, single submitter. Criteria: Ambry Variant Classification Scheme 2023. Collection method: clinical testing. Allele origin: germline.
Comment: The p.L1583P variant (also known as c.4748T>C), located in coding exon 33 of the LRRK2 gene, results from a T to C substitution at nucleotide position 4748. The leucine at codon 1583 is replaced by proline, an amino acid with similar properties. This amino acid position is conserved. In addition, this alteration is predicted to be deleterious by in silico analysis. Since supporting evidence is limited at this time, the clinical significance of this alteration remains unclear.